The following is an entry in ClinVar:

NM_001430.5(EPAS1):c.2481C>T (p.Leu827=)

Gene: EPAS1 (endothelial PAS domain protein 1; plus strand). Cytogenetic location: 2p21.
Variant type: single nucleotide variant.
Coding change: c.2481C>T on transcript NM_001430.5 (MANE Select); coding-DNA position 2481, C replaced by T.
Protein change: p.Leu827=; no amino-acid change (leucine 827 retained).
Molecular consequence: synonymous variant.
Genome position (GRCh38, 1-based): chr2:46,384,528, C>T. VCF-style: chr2-46384528-C-T. GRCh37 (hg19) VCF-style: chr2-46611667-C-T.
Identifiers: ClinVar variation 1791927 (VCV001791927.26), dbSNP rs765104652, ClinGen allele CA1645380.
Genomic context (GRCh38, chr2:46,384,528, plus strand): 5'-CGATTTAGGCCTTTAAGTTATGGTACCAACCCTTCTTTCAGGCATGGCAAGCCGGCTGCT[C>T]GGGCCCTCATTTGAGTCCTACCTGCTGCCCGAACTGACCAGATATGACTGTGAGGTGAAC-3'
Protein context (NP_001421.2, residues 817-837): HKVSGMASRL[Leu827=]GPSFESYLLP

ClinVar aggregate classification (germline): Likely benign. Review status: criteria provided, multiple submitters, no conflicts (2 of 4 stars). 2 submissions from 2 submitters: Likely benign (2). Last evaluated 2022-05-13.

Conditions:
Inborn genetic diseases. Identifiers: MedGen C0950123, MeSH D030342.

Allele frequency attached by ClinVar (database versions not stated): gnomAD 0.00001.
gnomAD v4.1: 12 of 1,614,074 alleles (0.00074%); highest among the groups gnomAD compares: Admixed American, 0.0033%; no homozygotes.

Submissions (2):

Ambry Genetics
Classification: Likely benign for Inborn genetic diseases. Last evaluated: 2022-05-13. Review status: criteria provided, single submitter. Criteria: Ambry Variant Classification Scheme 2023. Collection method: clinical testing. Allele origin: germline.

CeGaT Center for Human Genetics Tuebingen
Classification: Likely benign. Last evaluated: 2022-04-01. Review status: criteria provided, single submitter. Criteria: CeGaT Center For Human Genetics Tuebingen Variant Classification Criteria Version 2. Collection method: clinical testing. Allele origin: germline. Affected: yes. Observed: 2 variant alleles.
Comment: EPAS1: BP4, BP7